The following is an entry in ClinVar:

ClinVar aggregate classification (germline): Uncertain significance (1 of 4 stars; one submission).

Conditions:
Cardiovascular phenotype. Identifiers: MedGen CN230736.

Submission:

Ambry Genetics
Classification: Uncertain significance for Cardiovascular phenotype. Last evaluated: 2023-09-11. Review status: criteria provided, single submitter. Criteria: Ambry Variant Classification Scheme 2023. Collection method: clinical testing. Allele origin: germline.
Comment: The p.M213T variant (also known as c.638T>C), located in coding exon 4 of the LDB3 gene, results from a T to C substitution at nucleotide position 638. The methionine at codon 213 is replaced by threonine, an amino acid with similar properties. This amino acid position is not well conserved in available vertebrate species, and threonine is the reference amino acid in other vertebrate species. In addition, this alteration is predicted to be tolerated by in silico analysis. Since supporting evidence is limited at this time, the clinical significance of this alteration remains unclear.

NM_007078.3(LDB3):c.638T>C (p.Met213Thr)

Gene: LDB3 (LIM domain binding 3; plus strand). Cytogenetic location: 10q23.2.
Variant type: single nucleotide variant.
Coding change: c.638T>C on transcript NM_007078.3 (MANE Select); coding-DNA position 638, T replaced by C.
Protein change: p.Met213Thr; replaces methionine 213 with threonine.
Molecular consequence: missense variant. On other transcripts: intron variant (5).
Genome position (GRCh38, 1-based): chr10:86,681,752, T>C. VCF-style: chr10-86681752-T-C. GRCh37 (hg19) VCF-style: chr10-88441509-T-C.
Other names: c.638T>C, p.Met213Thr (NM_001080115.2, NM_001171610.2, NM_001171611.2 and 3 more transcripts); c.321+1595T>C (NM_001368068.1, NM_001368066.1, NM_001080114.2 and 2 more transcripts); short protein forms M213T.
Identifiers: ClinVar variation 1753230 (VCV001753230.3), dbSNP rs2492594374, ClinGen allele CA377455366.